The following is an entry in ClinVar:

ClinVar aggregate classification (germline): Uncertain significance. Review status: criteria provided, multiple submitters, no conflicts (2 of 4 stars). 2 submissions from 2 submitters: Uncertain significance (2). Last evaluated 2026-07-02.

Conditions:
Hereditary cancer-predisposing syndrome. Also called: Hereditary Cancer Syndrome; Neoplastic Syndromes, Hereditary; Hereditary neoplastic syndrome; Tumor predisposition. Identifiers: Orphanet 140162, MedGen C0027672, MeSH D009386, MONDO:0015356.
Multiple endocrine neoplasia, type 2 (MEN2). Identifiers: Orphanet 653, MedGen C4048306, MONDO:0019003. Disease mechanism: gain of function.

Submissions (2):

Ambry Genetics
Classification: Uncertain significance for Hereditary cancer-predisposing syndrome. Last evaluated: 2026-07-02. Review status: criteria provided, single submitter. Criteria: Ambry Variant Classification Scheme 2023. Collection method: clinical testing. Allele origin: germline.
Comment: The p.R205M variant (also known as c.614G>T), located in coding exon 3 of the RET gene, results from a G to T substitution at nucleotide position 614. The arginine at codon 205 is replaced by methionine, an amino acid with similar properties. This amino acid position is conserved. In addition, this alteration is predicted to be tolerated by in silico analysis. Based on the available evidence, the clinical significance of this variant remains unclear.

Labcorp Genetics (formerly Invitae), Labcorp
Classification: Uncertain significance for Multiple endocrine neoplasia, type 2. Last evaluated: 2021-01-30. Review status: criteria provided, single submitter. Criteria: Invitae Variant Classification Sherloc (09022015). Collection method: clinical testing. Allele origin: germline.
Comment: In summary, the available evidence is currently insufficient to determine the role of this variant in disease. Therefore, it has been classified as a Variant of Uncertain Significance. Algorithms developed to predict the effect of missense changes on protein structure and function (SIFT, PolyPhen-2, Align-GVGD) all suggest that this variant is likely to be tolerated, but these predictions have not been confirmed by published functional studies and their clinical significance is uncertain. This variant has not been reported in the literature in individuals with RET-related conditions. This variant is not present in population databases (ExAC no frequency). This sequence change replaces arginine with methionine at codon 205 of the RET protein (p.Arg205Met). The arginine residue is weakly conserved and there is a moderate physicochemical difference between arginine and methionine.

NM_020975.6(RET):c.614G>T (p.Arg205Met)

Gene: RET (ret proto-oncogene; plus strand). Cytogenetic location: 10q11.21.
Variant type: single nucleotide variant.
Coding change: c.614G>T on transcript NM_020975.6 (MANE Select); coding-DNA position 614, G replaced by T.
Protein change: p.Arg205Met; replaces arginine 205 with methionine.
Molecular consequence: missense variant.
Genome position (GRCh38, 1-based): chr10:43,102,618, G>T. VCF-style: chr10-43102618-G-T. GRCh37 (hg19) VCF-style: chr10-43598066-G-T.
Other names: c.614G>T, p.Arg205Met (NM_000323.2, NM_001406743.1, NM_001406744.1 and 16 more transcripts); c.485G>T, p.Arg162Met (NM_001406761.1, NM_001406762.1, NM_001406764.1 and 4 more transcripts); short protein forms R205M, R162M.
Identifiers: ClinVar variation 1438591 (VCV001438591.10), dbSNP rs1177806121, ClinGen allele CA376543677.